The following is an entry in ClinVar:

NM_033026.6(PCLO):c.7240C>T (p.Pro2414Ser)

Gene: PCLO (piccolo presynaptic cytomatrix protein; minus strand). Cytogenetic location: 7q21.11.
Variant type: single nucleotide variant.
Coding change: c.7240C>T on transcript NM_033026.6 (MANE Select); coding-DNA position 7240, C replaced by T.
Protein change: p.Pro2414Ser; replaces proline 2414 with serine.
Molecular consequence: missense variant.
Genome position (GRCh38, 1-based): chr7:82,953,713, G>A on the plus strand (C>T on the coding strand, the complement: PCLO is on the minus strand). VCF-style: chr7-82953713-G-A. GRCh37 (hg19) VCF-style: chr7-82583029-G-A.
Other names: c.7240C>T, p.Pro2414Ser (NM_014510.3); short protein forms P2414S.
Identifiers: ClinVar variation 1396430 (VCV001396430.6), dbSNP rs2116442078, ClinGen allele CA367917401.

ClinVar aggregate classification (germline): Uncertain significance (1 of 4 stars; one submission).

Submission:

Labcorp Genetics (formerly Invitae), Labcorp
Classification: Uncertain significance. Last evaluated: 2024-01-08. Review status: criteria provided, single submitter. Criteria: Invitae Variant Classification Sherloc (09022015). Collection method: clinical testing. Allele origin: germline.
Comment: This sequence change replaces proline, which is neutral and non-polar, with serine, which is neutral and polar, at codon 2414 of the PCLO protein (p.Pro2414Ser). This variant is not present in population databases (gnomAD no frequency). This variant has not been reported in the literature in individuals affected with PCLO-related conditions. ClinVar contains an entry for this variant (Variation ID: 1396430). Experimental studies and prediction algorithms are not available or were not evaluated, and the functional significance of this variant is currently unknown. In summary, the available evidence is currently insufficient to determine the role of this variant in disease. Therefore, it has been classified as a Variant of Uncertain Significance.